The following is an entry in ClinVar:

NM_020070.4(IGLL1):c.258del (p.Gln88fs)

Gene: IGLL1 (immunoglobulin lambda like polypeptide 1; minus strand). Cytogenetic location: 22q11.23.
Variant type: Deletion.
Coding change: c.258del on transcript NM_020070.4 (MANE Select); coding-DNA position 258, one base deleted (G; older notation c.258delG).
Protein change: p.Gln88fs; shifts the reading frame from glutamine 88.
Molecular consequence: frameshift variant. On other transcripts: intron variant (1).
Genome position (GRCh38, 1-based): chr22:23,575,031, C deleted on the plus strand (G on the coding strand, the reverse complement: IGLL1 is on the minus strand); the first of 5 consecutive C bases (chr22:23,575,031-23,575,035); deleting any one gives the same sequence. VCF-style (leftmost placement, unchanged base first): chr22-23575030-AC-A. GRCh37 (hg19) VCF-style: chr22-23917217-AC-A.
Other names: c.261del, p.Gln89fs (NM_001369906.1); c.207-1446del (NM_152855.3); c.258del (NM_020070.3); c.258delG (NM_020070.4); short protein forms Q88fs, Q89fs.
Identifiers: ClinVar variation 236015 (VCV000236015.19), dbSNP rs532338576, ClinGen allele CA10143358.

ClinVar aggregate classification (germline): Conflicting classifications of pathogenicity. Review status: criteria provided, conflicting classifications (1 of 4 stars). 7 submissions from 7 submitters: Pathogenic (3); Uncertain significance (3). 1 of the submissions does not count toward it. Last evaluated 2026-04-01.

Conditions:
Agammaglobulinemia 2, autosomal recessive (AGM2). Also called: AGAMMAGLOBULINEMIA, AUTOSOMAL RECESSIVE, DUE TO IGLL1 DEFECT. Identifiers: MedGen C3150750, MONDO:0013287, OMIM 613500.

Submissions (7):

CeGaT Center for Human Genetics Tuebingen
Classification: Pathogenic. Last evaluated: 2026-04-01. Review status: criteria provided, single submitter. Criteria: CeGaT Center For Human Genetics Tuebingen Variant Classification Criteria Version 2. Collection method: clinical testing. Allele origin: germline. Affected: yes. Observed: 1 variant allele.
Comment: IGLL1: PM3:Strong, PM2, PP1:Moderate, PVS1:Moderate

Labcorp Genetics (formerly Invitae), Labcorp
Classification: Uncertain significance for Agammaglobulinemia 2, autosomal recessive. Last evaluated: 2026-01-21. Review status: criteria provided, single submitter. Criteria: Invitae Variant Classification Sherloc (09022015). Collection method: clinical testing. Allele origin: germline.
Comment: This sequence change creates a premature translational stop signal (p.Gln88Asnfs*7) in the IGLL1 gene. While this is not anticipated to result in nonsense mediated decay, it is expected to disrupt the last 126 amino acid(s) of the IGLL1 protein. This variant is present in population databases (rs532338576, gnomAD 0.2%), and has an allele count higher than expected for a pathogenic variant. This premature translational stop signal has been observed in individual(s) with agammaglobulinemia, primary immunodeficiency, and/or reduced B lymphocytes and increased susceptibility to bacterial infection (PMID: 25502423, 32888943, 34619682, 39147326). This variant is also known as c.[258_258del]. ClinVar contains an entry for this variant (Variation ID: 236015). Experimental studies and prediction algorithms are not available or were not evaluated, and the functional significance of this variant is currently unknown. In summary, the available evidence is currently insufficient to determine the role of this variant in disease. Therefore, it has been classified as a Variant of Uncertain Significance.

Blueprint Genetics
Classification: Uncertain significance. Last evaluated: 2024-11-11. Review status: criteria provided, single submitter. Criteria: ACMG Guidelines, 2015. Collection method: clinical testing. Allele origin: germline.

Center for Genomics, Ann and Robert H. Lurie Children's Hospital of Chicago
Classification: Pathogenic for Agammaglobulinemia 2, autosomal recessive. Last evaluated: 2022-11-09. Review status: criteria provided, single submitter. Criteria: ACMG Guidelines, 2015. Collection method: clinical testing. Allele origin: germline.
Comment: This variant has been reported in the literature in 4 individuals with features of a primary immunodeficency in the homozygous state (Mones 2014 PMID:25502423 {alt nomenclature-c.258delG,p.Gly86fs} Platt 2021 PMID:32888943, Sogkas 2021 PMID:34619682). This variant is present in the Genome Aggregation Database (Highest reported MAF 0.1% [103/67812]). This variant is present in ClinVar (Variation ID: 236015). Evolutionary conservation and computational prediction tools for this variant are limited or unavailable. This variant is a deletion of 1 nucleotide and creates a premature stop codon 7 amino acid positions downstream from this location, which is expected to result in an absent or abnormal protein. Loss of function variants have been reported in association with disease for this gene however, evidence is still limited at this time. In summary, this variant is classified as pathogenic based on the data above.

3billion
Classification: Pathogenic for Agammaglobulinemia 2, autosomal recessive. Last evaluated: 2022-05-22. Review status: criteria provided, single submitter. Criteria: ACMG Guidelines, 2015. Collection method: clinical testing. Allele origin: germline. Affected: yes. Observed: 1 homozygote.
Comment: The variant is observed at an extremely low frequency in the gnomAD v2.1.1 dataset (total allele frequency: 0.092%). Frameshift: predicted to result in a loss or disruption of normal protein function through nonsense-mediated decay (NMD) or protein truncation. Multiple pathogenic variants are reported downstream of the variant. The variant has been reported to be associated with IGLL1 related disorder (ClinVar ID: VCV000236015 / PMID: 32888943). Therefore, this variant is classified as likely pathogenic according to the recommendation of ACMG/AMP guideline.

Department of Pathology and Laboratory Medicine, Sinai Health System
Classification: Uncertain significance for Agammaglobulinemia 2, autosomal recessive. Last evaluated: 2022-05-19. Review status: criteria provided, single submitter. Criteria: ACMG Guidelines, 2015. Collection method: research. Allele origin: germline.

OMIM
Classification: Pathogenic for AGAMMAGLOBULINEMIA 2, AUTOSOMAL RECESSIVE. Last evaluated: 2016-06-13. Review status: no assertion criteria provided. Collection method: literature only. Allele origin: germline. Not counted in ClinVar's aggregate classification.

Literature cited by the submitters: PubMed 25502423 (cited by Labcorp Genetics (formerly Invitae), Labcorp and OMIM); PubMed 32888943 (cited by Labcorp Genetics (formerly Invitae), Labcorp and 3billion); PubMed 34619682 (cited by Labcorp Genetics (formerly Invitae), Labcorp); PubMed 39147326 (cited by Labcorp Genetics (formerly Invitae), Labcorp).